The following is an entry in ClinVar:

ClinVar aggregate classification (germline): Pathogenic (1 of 4 stars; one submission).

Submission:

GeneDx
Classification: Pathogenic. Last evaluated: 2025-09-15. Review status: criteria provided, single submitter. Criteria: GeneDx Variant Classification Process June 2021. Collection method: clinical testing. Allele origin: germline.
Comment: Frameshift variant predicted to result in abnormal protein length as the last 3525 amino acids are replaced with 260 different amino acids, and other similar variants have been reported in HGMD; Not observed at significant frequency in large population cohorts (gnomAD); Has not been previously published as pathogenic or benign to our knowledge; This variant is associated with the following publications: (PMID: 16444271)

NM_002016.2(FLG):c.1610del (p.Asn537fs)

Genes: CCDST (cervical cancer associated DHX9 suppressive transcript; plus strand), FLG (filaggrin; minus strand). Cytogenetic location: 1q21.3.
Variant type: Deletion.
Coding change: c.1610del on transcript NM_002016.2 (MANE Select); coding-DNA position 1610, one base deleted (A; older notation c.1610delA).
Protein change: p.Asn537fs; shifts the reading frame from asparagine 537.
Molecular consequence: frameshift variant.
Genome position (GRCh38, 1-based): chr1:152,313,276, T deleted on the plus strand (A on the coding strand, the reverse complement: FLG is on the minus strand); the first of 3 consecutive T bases (chr1:152,313,276-152,313,278); deleting any one gives the same sequence. VCF-style (leftmost placement, unchanged base first): chr1-152313275-AT-A. GRCh37 (hg19) VCF-style: chr1-152285751-AT-A.
Other names: c.1608delA, p.Asn537Ilefs (NM_002016.1); short protein forms N537fs.
Identifiers: ClinVar variation 3764184 (VCV003764184.2).
Genomic context (GRCh38, chr1:152,313,275, plus strand): 5'-GGCATCAGACCTTCCCTGGGATGTGGTGTGGCTGTGATGGGAACCTGAGTGTCCAGACCT[AT>A]TTACCGATTGCTCGTGGTGGGATCCCTGCCTTCCTCCTCTGCTTGACCCCGGGTGTCCAC-3'